The following is an entry in ClinVar:

ClinVar aggregate classification (germline): Uncertain significance. Review status: criteria provided, multiple submitters, no conflicts (2 of 4 stars). 2 submissions from 2 submitters: Uncertain significance (2). Last evaluated 2025-04-29.

Conditions:
Inborn genetic diseases. Identifiers: MedGen C0950123, MeSH D030342.

Allele frequency attached by ClinVar (database versions not stated): ExAC 0.00005; gnomAD exomes 0.00005 and 0.00009; 1000 Genomes Project 0.00020; TOPMed 0.00006; 1000 Genomes Project 30x 0.00031; gnomAD 0.00005.
gnomAD v4.1: 75 of 1,612,194 alleles (0.0047%); highest among the groups gnomAD compares: Admixed American, 0.023%; no homozygotes.

Submissions (2):

Ambry Genetics
Classification: Uncertain significance for Inborn genetic diseases. Last evaluated: 2025-04-29. Review status: criteria provided, single submitter. Criteria: Ambry Variant Classification Scheme 2023. Collection method: clinical testing. Allele origin: germline.

Labcorp Genetics (formerly Invitae), Labcorp
Classification: Uncertain significance. Last evaluated: 2022-09-12. Review status: criteria provided, single submitter. Criteria: Invitae Variant Classification Sherloc (09022015). Collection method: clinical testing. Allele origin: germline.
Comment: This sequence change replaces valine, which is neutral and non-polar, with isoleucine, which is neutral and non-polar, at codon 684 of the SLC26A3 protein (p.Val684Ile). This variant is present in population databases (rs199895223, gnomAD 0.04%). This variant has not been reported in the literature in individuals affected with SLC26A3-related conditions. ClinVar contains an entry for this variant (Variation ID: 1466694). Algorithms developed to predict the effect of missense changes on protein structure and function (SIFT, PolyPhen-2, Align-GVGD) all suggest that this variant is likely to be tolerated. In summary, the available evidence is currently insufficient to determine the role of this variant in disease. Therefore, it has been classified as a Variant of Uncertain Significance.

NM_000111.3(SLC26A3):c.2050G>A (p.Val684Ile)

Gene: SLC26A3 (solute carrier family 26 member 3; minus strand). Cytogenetic location: 7q22.3.
Variant type: single nucleotide variant.
Coding change: c.2050G>A on transcript NM_000111.3 (MANE Select); coding-DNA position 2050, G replaced by A.
Protein change: p.Val684Ile; replaces valine 684 with isoleucine.
Molecular consequence: missense variant.
Genome position (GRCh38, 1-based): chr7:107,772,066, C>T on the plus strand (G>A on the coding strand, the complement: SLC26A3 is on the minus strand). VCF-style: chr7-107772066-C-T. GRCh37 (hg19) VCF-style: chr7-107412511-C-T.
Other names: c.2050G>A (NM_000111.2); short protein forms V684I.
Identifiers: ClinVar variation 1466694 (VCV001466694.5), dbSNP rs199895223, ClinGen allele CA4433616.